The following is an entry in ClinVar:

NM_139321.3(ATRN):c.638A>G (p.Asn213Ser)

Gene: ATRN (attractin; plus strand). Cytogenetic location: 20p13.
Variant type: single nucleotide variant.
Coding change: c.638A>G on transcript NM_139321.3 (MANE Select); coding-DNA position 638, A replaced by G.
Protein change: p.Asn213Ser; replaces asparagine 213 with serine.
Molecular consequence: missense variant.
Genome position (GRCh38, 1-based): chr20:3,545,791, A>G. VCF-style: chr20-3545791-A-G. GRCh37 (hg19) VCF-style: chr20-3526438-A-G.
Other names: c.290A>G, p.Asn97Ser (NM_001207047.3); c.638A>G, p.Asn213Ser (NM_001323332.2, NM_139322.4); c.638A>G (NM_139321.2); short protein forms N213S, N97S.
Identifiers: ClinVar variation 2338337 (VCV002338337.9), dbSNP rs148044221, ClinGen allele CA9743857.
Genomic context (GRCh38, chr20:3,545,791, plus strand): 5'-TCCCTCTATAAGAAGTGTGTTTTCATTTCAGTGGCCTCATTGTTCCTGAGAGAGATGGCA[A>G]TGAGACTGTCCCTGAGGTTGTTGCCACATCAGGTTATGCCTTGCTGCATTTTTTTAGTGA-3'
Protein context (NP_647537.1, residues 203-223): SGLIVPERDG[Asn213Ser]ETVPEVVATS

ClinVar aggregate classification (germline): Uncertain significance. Review status: criteria provided, multiple submitters, no conflicts (2 of 4 stars). 2 submissions from 2 submitters: Uncertain significance (2). Last evaluated 2025-06-24.

Allele frequency attached by ClinVar (database versions not stated): gnomAD exomes 0.00003; ExAC 0.00005; TOPMed 0.00005; gnomAD 0.00007; ESP Exome Variant Server 0.00015.
gnomAD v4.1: 74 of 1,614,098 alleles (0.0046%); highest among the groups gnomAD compares: African/African-American, 0.013%; no homozygotes.

Submissions (2):

Ambry Genetics
Classification: Uncertain significance. Last evaluated: 2025-06-24. Review status: criteria provided, single submitter. Criteria: Ambry Variant Classification Scheme 2023. Collection method: clinical testing. Allele origin: germline.

Labcorp Genetics (formerly Invitae), Labcorp
Classification: Uncertain significance. Last evaluated: 2022-07-18. Review status: criteria provided, single submitter. Criteria: Invitae Variant Classification Sherloc (09022015). Collection method: clinical testing. Allele origin: germline.
Comment: Algorithms developed to predict the effect of missense changes on protein structure and function are either unavailable or do not agree on the potential impact of this missense change (SIFT: "Deleterious"; PolyPhen-2: "Probably Damaging"; Align-GVGD: "Class C0"). In summary, the available evidence is currently insufficient to determine the role of this variant in disease. Therefore, it has been classified as a Variant of Uncertain Significance. Algorithms developed to predict the effect of sequence changes on RNA splicing suggest that this variant may create or strengthen a splice site. This variant has not been reported in the literature in individuals affected with ATRN-related conditions. This variant is present in population databases (rs148044221, gnomAD 0.006%). This sequence change replaces asparagine, which is neutral and polar, with serine, which is neutral and polar, at codon 213 of the ATRN protein (p.Asn213Ser).